The following is an entry in ClinVar:

NM_139076.3(ABRAXAS1):c.17C>A (p.Thr6Lys)

Genes: ABRAXAS1 (abraxas 1, BRCA1 A complex subunit; minus strand), LOC129992784 (ATAC-STARR-seq lymphoblastoid silent region 15542; plus strand). Cytogenetic location: 4q21.23.
Variant type: single nucleotide variant.
Coding change: c.17C>A on transcript NM_139076.3 (MANE Select); coding-DNA position 17, C replaced by A.
Protein change: p.Thr6Lys; replaces threonine 6 with lysine.
Molecular consequence: missense variant. On other transcripts: 5 prime UTR variant (1).
Genome position (GRCh38, 1-based): chr4:83,485,056, G>T on the plus strand (C>A on the coding strand, the complement: ABRAXAS1 is on the minus strand). VCF-style: chr4-83485056-G-T. GRCh37 (hg19) VCF-style: chr4-84406209-G-T.
Other names: c.-244C>A (NM_001345962.2); short protein forms T6K.
Identifiers: ClinVar variation 3333020 (VCV003333020.1).

ClinVar aggregate classification (germline): Uncertain significance (1 of 4 stars; one submission).

Submission:

Ambry Genetics
Classification: Uncertain significance. Last evaluated: 2024-03-25. Review status: criteria provided, single submitter. Criteria: Ambry Variant Classification Scheme 2023. Collection method: clinical testing. Allele origin: germline.
Comment: The p.T6K variant (also known as c.17C>A), located in coding exon 1 of the FAM175A gene, results from a C to A substitution at nucleotide position 17. The threonine at codon 6 is replaced by lysine, an amino acid with similar properties. This amino acid position is conserved. In addition, this alteration is predicted to be tolerated by in silico analysis. Based on the available evidence, the clinical significance of this alteration remains unclear.